The following is an entry in ClinVar:

NM_001130965.3(SUN1):c.958G>A (p.Val320Met)

Gene: SUN1 (Sad1 and UNC84 domain containing 1; plus strand). Cytogenetic location: 7p22.3.
Variant type: single nucleotide variant.
Coding change: c.958G>A on transcript NM_001130965.3 (MANE Select); coding-DNA position 958, G replaced by A.
Protein change: p.Val320Met; replaces valine 320 with methionine.
Molecular consequence: missense variant. On other transcripts: non-coding transcript variant (3), intron variant (1).
Genome position (GRCh38, 1-based): chr7:852,857, G>A. VCF-style: chr7-852857-G-A. GRCh37 (hg19) VCF-style: chr7-892494-G-A.
Other names: c.649G>A, p.Val217Met (NM_001171944.2); c.958G>A, p.Val320Met (NM_001367633.1, NM_001367634.1, NM_001367653.1 and 1 more transcripts); c.607G>A, p.Val203Met (NM_001367635.1); c.1198G>A, p.Val400Met (NM_001367636.1, NM_001367691.1); c.1066G>A, p.Val356Met (NM_001367638.1); c.499G>A, p.Val167Met (NM_001367639.1); c.1138G>A, p.Val380Met (NM_001367640.1); c.1240G>A, p.Val414Met (NM_001367641.1, NM_001367682.1); and 38 more; short protein forms V320M, V237M, V269M, V298M, V319M, V329M, V347M, V356M.
Identifiers: ClinVar variation 578427 (VCV000578427.10), dbSNP rs555876242, ClinGen allele CA4112024.

ClinVar aggregate classification (germline): Uncertain significance (1 of 4 stars; one submission).

Conditions:
Emery-Dreifuss muscular dystrophy (EDMD). Also called: Scapuloperoneal syndrome, X-linked (formerly); Humeroperoneal neuromuscular disease, (formerly). Identifiers: Orphanet 261, MedGen C0410189, MONDO:0016830.

Allele frequency attached by ClinVar (database versions not stated): ExAC 0.00004; TOPMed 0.00004; gnomAD 0.00006; 1000 Genomes Project 0.00020; 1000 Genomes Project 30x 0.00031.
gnomAD v4.1: 55 of 1,613,978 alleles (0.0034%); highest among the groups gnomAD compares: African/African-American, 0.0053%; no homozygotes.

Submission:

Labcorp Genetics (formerly Invitae), Labcorp
Classification: Uncertain significance for Emery-Dreifuss muscular dystrophy. Last evaluated: 2025-06-12. Review status: criteria provided, single submitter. Criteria: Invitae Variant Classification Sherloc (09022015). Collection method: clinical testing. Allele origin: germline.
Comment: This sequence change replaces valine, which is neutral and non-polar, with methionine, which is neutral and non-polar, at codon 320 of the SUN1 protein (p.Val320Met). This variant is present in population databases (rs555876242, gnomAD 0.008%). This variant has not been reported in the literature in individuals affected with SUN1-related conditions. ClinVar contains an entry for this variant (Variation ID: 578427). An algorithm developed to predict the effect of missense changes on protein structure and function outputs the following: PolyPhen-2: "Benign". The methionine amino acid residue is found in multiple mammalian species, which suggests that this missense change does not adversely affect protein function. In summary, the available evidence is currently insufficient to determine the role of this variant in disease. Therefore, it has been classified as a Variant of Uncertain Significance.